The following is an entry in ClinVar:

ClinVar aggregate classification (germline): Likely benign (1 of 4 stars; one submission).

Conditions:
KLHL20-related condition.

gnomAD v4.1: 334 of 1,614,056 alleles (0.021%); highest among the groups gnomAD compares: South Asian, 0.06%; 1 homozygote.

Submission:

PreventionGenetics, part of Exact Sciences
Classification: Likely benign for KLHL20-related condition. Last evaluated: 2026-03-03. Review status: criteria provided, single submitter. Criteria: ACMG Guidelines, 2015. Collection method: clinical testing. Allele origin: germline.
Comment: This variant is classified as likely benign based on ACMG/AMP sequence variant interpretation guidelines (Richards et al. 2015 PMID: 25741868, with internal and published modifications).

NM_014458.4(KLHL20):c.1407C>T (p.Asp469=)

Gene: KLHL20 (kelch like family member 20; plus strand). Cytogenetic location: 1q25.1.
Variant type: single nucleotide variant.
Coding change: c.1407C>T on transcript NM_014458.4 (MANE Select); coding-DNA position 1407, C replaced by T.
Protein change: p.Asp469=; no amino-acid change (aspartic acid 469 retained).
Molecular consequence: synonymous variant.
Genome position (GRCh38, 1-based): chr1:173,774,416, C>T. VCF-style: chr1-173774416-C-T. GRCh37 (hg19) VCF-style: chr1-173743555-C-T.
Identifiers: ClinVar variation 4980742 (VCV004980742.1).